The following is an entry in ClinVar:

NM_001130823.3(DNMT1):c.3524-16G>A

Gene: DNMT1 (DNA methyltransferase 1; minus strand). Cytogenetic location: 19p13.2.
Variant type: single nucleotide variant.
Coding change: c.3524-16G>A on transcript NM_001130823.3 (MANE Select); 16 bases into the intron before coding-DNA position 3524, G replaced by A.
Molecular consequence: intron variant.
Genome position (GRCh38, 1-based): chr19:10,140,344, C>T on the plus strand (G>A on the coding strand, the complement: DNMT1 is on the minus strand). VCF-style: chr19-10140344-C-T. GRCh37 (hg19) VCF-style: chr19-10251020-C-T.
Other names: c.3524-16G>A (LRG_362t1); c.3161-16G>A (NM_001318731.2); c.3476-16G>A (NM_001379.4, NM_001318730.2).
Identifiers: ClinVar variation 509158 (VCV000509158.11), dbSNP rs199694630, ClinGen allele CA9187714.
Genomic context (GRCh38, chr19:10,140,344, plus strand): 5'-CCGCAGGGTCCCACATCTCGATGGCCCACAGCGTGTCAGAGATGCCTGGCAGATCAAGCA[C>T]GAAGCCATGCTTTCAACTCTCCAGAAGATTTTTTTTTTTTTTTGAGATGGAGTCTCGCTC-3'

ClinVar aggregate classification (germline): Benign/Likely benign. Review status: criteria provided, multiple submitters, no conflicts (2 of 4 stars). 5 submissions from 5 submitters: Benign (1); Likely benign (4). Last evaluated 2026-06-14.

Conditions:
Hereditary sensory neuropathy-deafness-dementia syndrome. Also called: HSN IE; Hereditary sensory neuropathy type IE; Hereditary Sensory and Autonomic Neuropathy Type 1E (HSAN1E); NEUROPATHY, HEREDITARY SENSORY, WITH HEARING LOSS AND DEMENTIA. Identifiers: Orphanet 456318, MedGen C3279885, MONDO:0013584, OMIM 614116.

Allele frequency attached by ClinVar (database versions not stated): TOPMed 0.00018; gnomAD 0.00022 and 0.00029.
gnomAD v4.1: 285 of 1,613,000 alleles (0.018%); highest among the groups gnomAD compares: Middle Eastern, 0.64%; 1 homozygote.

Submissions (5):

Women's Health and Genetics/Laboratory Corporation of America, LabCorp
Classification: Benign. Last evaluated: 2026-06-14. Review status: criteria provided, single submitter. Criteria: LabCorp Variant Classification Summary - May 2015. Collection method: clinical testing. Allele origin: germline.

Labcorp Genetics (formerly Invitae), Labcorp
Classification: Likely benign for Hereditary sensory neuropathy-deafness-dementia syndrome. Last evaluated: 2026-01-16. Review status: criteria provided, single submitter. Criteria: Invitae Variant Classification Sherloc (09022015). Collection method: clinical testing. Allele origin: germline.

Genomic Medicine Center of Excellence, King Faisal Specialist Hospital and Research Centre
Classification: Likely benign. Last evaluated: 2025-08-18. Review status: criteria provided, single submitter. Criteria: ACMG Guidelines, 2015. Collection method: clinical testing. Allele origin: germline.

Blueprint Genetics
Classification: Likely benign. Last evaluated: 2024-11-22. Review status: criteria provided, single submitter. Criteria: ACMG Guidelines, 2015. Collection method: clinical testing. Allele origin: germline.

GeneDx
Classification: Likely benign. Last evaluated: 2017-11-14. Review status: criteria provided, single submitter. Criteria: GeneDx Variant Classification (06012015). Collection method: clinical testing. Allele origin: germline. Affected: yes.
Comment: This variant is considered likely benign or benign based on one or more of the following criteria: it is a conservative change, it occurs at a poorly conserved position in the protein, it is predicted to be benign by multiple in silico algorithms, and/or has population frequency not consistent with disease.